The following is an entry in ClinVar:

NM_004629.2(FANCG):c.1366del (p.His456fs)

Gene: FANCG (FA complementation group G; minus strand). Cytogenetic location: 9p13.3.
Variant type: Deletion.
Coding change: c.1366del on transcript NM_004629.2 (MANE Select); coding-DNA position 1366, one base deleted (C; older notation c.1366delC).
Protein change: p.His456fs; shifts the reading frame from histidine 456.
Molecular consequence: frameshift variant.
Genome position (GRCh38, 1-based): chr9:35,075,532, G deleted on the plus strand (C on the coding strand, the reverse complement: FANCG is on the minus strand); the first of 3 consecutive G bases (chr9:35,075,532-35,075,534); deleting any one gives the same sequence. VCF-style (leftmost placement, unchanged base first): chr9-35075531-TG-T. GRCh37 (hg19) VCF-style: chr9-35075528-TG-T.
Other names: short protein forms H456fs.
Identifiers: ClinVar variation 134359 (VCV000134359.3), dbSNP rs587778345, ClinGen allele CA159596.
Genomic context (GRCh38, chr9:35,075,531, plus strand): 5'-AATTCACTAATTGCCACTTTTTGGGCACCCAGTTGAACCCAGGCCTGGCCCTGAAGCAGG[TG>T]GGTGGCAGAGACCCAGAGTGGGCAGTATGGCAGTTCCTTGGTTCCTTTTCTGGCATCTTC-3'

ClinVar aggregate classification (germline): Likely pathogenic. Review status: criteria provided, multiple submitters, no conflicts (2 of 4 stars). 3 submissions from 3 submitters: Likely pathogenic (2). 1 of the submissions does not count toward it. Last evaluated 2024-02-08.

Conditions:
FANCG-related disorders.
Fanconi anemia complementation group G. Also called: FANCG-Related Fanconi Anemia; Fanconi anemia group G. Identifiers: Orphanet 84, MedGen C3469527, MONDO:0013565, OMIM 614082.

Submissions (3):

Baylor Genetics
Classification: Likely pathogenic for Fanconi anemia complementation group G. Last evaluated: 2024-02-08. Review status: criteria provided, single submitter. Criteria: ACMG Guidelines, 2015. Collection method: clinical testing. Allele origin: unknown.

Blueprint Genetics
Classification: Likely pathogenic for FANCG-related disorders. Last evaluated: 2022-08-11. Review status: criteria provided, single submitter. Criteria: ACMG Guidelines, 2015. Collection method: clinical testing. Allele origin: germline. Affected: yes. Observed: 1 variant allele.

ITMI
No classification provided. Condition: AllHighlyPenetrant. Last evaluated: 2013-09-19. Review status: no classification provided. Collection method: reference population. Allele origin: germline. Not counted in ClinVar's aggregate classification.
Comment: Please see associated publication for description of ethnicities

Literature cited by the submitters: PubMed 24728327 (cited by ITMI).